The following is an entry in ClinVar:

ClinVar aggregate classification (germline): Benign/Likely benign. Review status: criteria provided, multiple submitters, no conflicts (2 of 4 stars). 2 submissions from 2 submitters: Benign (1); Likely benign (1). Last evaluated 2025-01-01.

Submissions (2):

CeGaT Center for Human Genetics Tuebingen
Classification: Likely benign. Last evaluated: 2025-01-01. Review status: criteria provided, single submitter. Criteria: CeGaT Center For Human Genetics Tuebingen Variant Classification Criteria Version 2. Collection method: clinical testing. Allele origin: germline. Affected: yes. Observed: 1 variant allele.
Comment: NANOS1: BS1

Labcorp Genetics (formerly Invitae), Labcorp
Classification: Benign. Last evaluated: 2019-12-31. Review status: criteria provided, single submitter. Criteria: Invitae Variant Classification Sherloc (09022015). Collection method: clinical testing. Allele origin: germline.

NM_199461.4(NANOS1):c.502GCC[8] (p.Ala172_Ala173dup)

Gene: NANOS1 (nanos C2HC-type zinc finger 1; plus strand). Cytogenetic location: 10q26.11.
Variant type: Microsatellite.
Coding change: c.502GCC[8] on transcript NM_199461.4 (MANE Select); eight copies in a row of the 3-base unit GCC starting at c.502; the reference has six copies in a row; two copies, 6 bases duplicated; also written c.514_519dup.
Protein change: p.Ala172_Ala173dup.
Molecular consequence: inframe insertion.
Genome position (GRCh38, 1-based): chr10:119,030,315-119,030,320, GCCGCC duplicated; duplicating any 6 consecutive bases within chr10:119,030,301-119,030,320 gives the same sequence; the position shown is the placement nearest the transcript's 3' end. VCF-style (leftmost placement, unchanged base first): chr10-119030300-C-CCCGCCG. GRCh37 (hg19) VCF-style: chr10-120789812-C-CCCGCCG.
Other names: c.514_519dup (NM_199461.3).
Identifiers: ClinVar variation 776547 (VCV000776547.17), dbSNP rs538539239, ClinGen allele CA596577559.